The following is an entry in ClinVar:

NM_001330078.2(NRXN1):c.2009C>T (p.Pro670Leu)

Gene: NRXN1 (neurexin 1; minus strand). Cytogenetic location: 2p16.3.
Variant type: single nucleotide variant.
Coding change: c.2009C>T on transcript NM_001330078.2 (MANE Select); coding-DNA position 2009, C replaced by T.
Protein change: p.Pro670Leu; replaces proline 670 with leucine.
Molecular consequence: missense variant.
Genome position (GRCh38, 1-based): chr2:50,538,387, G>A on the plus strand (C>T on the coding strand, the complement: NRXN1 is on the minus strand). VCF-style: chr2-50538387-G-A. GRCh37 (hg19) VCF-style: chr2-50765525-G-A.
Other names: c.2129C>T, p.Pro710Leu (NM_001135659.3); c.1985C>T, p.Pro662Leu (NM_001330077.2, NM_001330082.2, NM_001330095.2); c.1970C>T, p.Pro657Leu (NM_001330083.2, NM_001330084.2); c.2009C>T, p.Pro670Leu (NM_001330085.2, NM_001330086.2, NM_004801.6); c.1925C>T, p.Pro642Leu (NM_001330087.2, NM_001330096.2); c.1955C>T, p.Pro652Leu (NM_001330088.2); c.2006C>T, p.Pro669Leu (NM_001330093.2); c.1997C>T, p.Pro666Leu (NM_001330094.2); short protein forms P662L, P670L, P652L, P657L, P666L, P669L, P710L, P642L.
Identifiers: ClinVar variation 1486377 (VCV001486377.8), dbSNP rs2105259274, ClinGen allele CA346770554.
Genomic context (GRCh38, chr2:50,538,387, plus strand): 5'-ATGCCATTGTTTTTGCAAGGGTTGCTAAGGCACGGTTTTGCTGTTTCCTTTGAGCAGGAA[G>A]GCTTCACTCCAGCAGTACTTTGAACTTCAGCCATTTGCCGGATATCTTTGCTTTGGCCAT-3'
Protein context (NP_001317007.1, residues 660-680): AEVQSTAGVK[Pro670Leu]SCSKETAKPC

ClinVar aggregate classification (germline): Uncertain significance (1 of 4 stars; one submission).

Conditions:
Pitt-Hopkins-like syndrome 2 (PTHSL2). Identifiers: Orphanet 221150, Orphanet 600663, MedGen C3280479, MONDO:0013690, OMIM 614325.

Submission:

Labcorp Genetics (formerly Invitae), Labcorp
Classification: Uncertain significance for Pitt-Hopkins-like syndrome 2. Last evaluated: 2022-03-19. Review status: criteria provided, single submitter. Criteria: Invitae Variant Classification Sherloc (09022015). Collection method: clinical testing. Allele origin: germline.
Comment: This sequence change replaces proline, which is neutral and non-polar, with leucine, which is neutral and non-polar, at codon 710 of the NRXN1 protein (p.Pro710Leu). This variant is not present in population databases (gnomAD no frequency). This variant has not been reported in the literature in individuals affected with NRXN1-related conditions. Algorithms developed to predict the effect of missense changes on protein structure and function are either unavailable or do not agree on the potential impact of this missense change (SIFT: "Tolerated"; PolyPhen-2: "Probably Damaging"; Align-GVGD: "Class C0"). In summary, the available evidence is currently insufficient to determine the role of this variant in disease. Therefore, it has been classified as a Variant of Uncertain Significance.